The following is an entry in ClinVar:

NM_001080467.3(MYO5B):c.183C>G (p.Phe61Leu)

Gene: MYO5B (myosin VB; minus strand). Cytogenetic location: 18q21.1.
Variant type: single nucleotide variant.
Coding change: c.183C>G on transcript NM_001080467.3 (MANE Select); coding-DNA position 183, C replaced by G.
Protein change: p.Phe61Leu; replaces phenylalanine 61 with leucine.
Molecular consequence: missense variant.
Genome position (GRCh38, 1-based): chr18:50,040,270, G>C on the plus strand (C>G on the coding strand, the complement: MYO5B is on the minus strand). VCF-style: chr18-50040270-G-C. GRCh37 (hg19) VCF-style: chr18-47566640-G-C.
Other names: short protein forms F61L.
Identifiers: ClinVar variation 749276 (VCV000749276.11), dbSNP rs200086960, ClinGen allele CA8961953.
Genomic context (GRCh38, chr18:50,040,270, plus strand): 5'-ATGAAGATAGCTAAGGGCAGTCAGGTCATTTTCTCCCACCAAGATATCTGGATTCCGTAA[G>C]AAGGGCAGCTGGTTGCGTTGTACATCAATTGGGTATTCCAGAATCTAAAGACATGCAAGT-3'
Protein context (NP_001073936.1, residues 51-71): PIDVQRNQLP[Phe61Leu]LRNPDILVGE

ClinVar aggregate classification (germline): Likely benign. Review status: criteria provided, single submitter (1 of 4 stars). 2 submissions from 2 submitters: Likely benign (1). 1 of the submissions does not count toward it. Last evaluated 2025-11-23.

Conditions:
MYO5B-related disorder. Also called: MYO5B-related condition.

Allele frequency attached by ClinVar (database versions not stated): gnomAD 0.00002 and 0.00014; TOPMed 0.00003; ESP Exome Variant Server 0.00008; 1000 Genomes Project 30x 0.00031; gnomAD exomes 0.00038 and 0.00078; 1000 Genomes Project 0.00040; ExAC 0.00084.
gnomAD v4.1: 572 of 1,614,122 alleles (0.035%); highest among the groups gnomAD compares: South Asian, 0.55%; 5 homozygotes.

Submissions (2):

Labcorp Genetics (formerly Invitae), Labcorp
Classification: Likely benign. Last evaluated: 2025-11-23. Review status: criteria provided, single submitter. Criteria: Invitae Variant Classification Sherloc (09022015). Collection method: clinical testing. Allele origin: germline.

PreventionGenetics, part of Exact Sciences
Classification: Likely benign for MYO5B-related condition. Last evaluated: 2021-06-15. Review status: no assertion criteria provided. Collection method: clinical testing. Allele origin: germline. Not counted in ClinVar's aggregate classification.
Comment: This variant is classified as likely benign based on ACMG/AMP sequence variant interpretation guidelines (Richards et al. 2015 PMID: 25741868, with internal and published modifications).